The following is an entry in ClinVar:

NM_025074.7(FRAS1):c.585G>T (p.Gln195His)

Gene: FRAS1 (Fraser extracellular matrix complex subunit 1; plus strand). Cytogenetic location: 4q21.21.
Variant type: single nucleotide variant.
Coding change: c.585G>T on transcript NM_025074.7 (MANE Select); coding-DNA position 585, G replaced by T.
Protein change: p.Gln195His; replaces glutamine 195 with histidine.
Molecular consequence: missense variant.
Genome position (GRCh38, 1-based): chr4:78,255,357, G>T. VCF-style: chr4-78255357-G-T. GRCh37 (hg19) VCF-style: chr4-79176511-G-T.
Other names: c.585G>T, p.Gln195His (NM_001166133.2); short protein forms Q195H.
Identifiers: ClinVar variation 906104 (VCV000906104.8), dbSNP rs930940115, ClinGen allele CA99943396.

ClinVar aggregate classification (germline): Uncertain significance. Review status: criteria provided, multiple submitters, no conflicts (2 of 4 stars). 3 submissions from 3 submitters: Uncertain significance (3). Last evaluated 2023-11-02.

Conditions:
Fraser syndrome 1 (FRASRS1). Also called: CRYPTOPHTHALMOS WITH OTHER MALFORMATIONS. Identifiers: Orphanet 2052, MedGen C4551480, MONDO:0054737, OMIM 219000.

Allele frequency attached by ClinVar (database versions not stated): gnomAD exomes below 0.00001 and 0.00002; TOPMed 0.00001.
gnomAD v4.1: 25 of 1,593,064 alleles (0.0016%); highest among the groups gnomAD compares: Non-Finnish European, 0.0021%; no homozygotes.

Submissions (3):

Labcorp Genetics (formerly Invitae), Labcorp
Classification: Uncertain significance. Last evaluated: 2023-11-02. Review status: criteria provided, single submitter. Criteria: Invitae Variant Classification Sherloc (09022015). Collection method: clinical testing. Allele origin: germline.
Comment: This sequence change replaces glutamine, which is neutral and polar, with histidine, which is basic and polar, at codon 195 of the FRAS1 protein (p.Gln195His). The frequency data for this variant in the population databases is considered unreliable, as metrics indicate poor data quality at this position in the gnomAD database. This variant has not been reported in the literature in individuals affected with FRAS1-related conditions. ClinVar contains an entry for this variant (Variation ID: 906104). Algorithms developed to predict the effect of missense changes on protein structure and function output the following: SIFT: "Not Available"; PolyPhen-2: "Benign"; Align-GVGD: "Not Available". The histidine amino acid residue is found in multiple mammalian species, which suggests that this missense change does not adversely affect protein function. In summary, the available evidence is currently insufficient to determine the role of this variant in disease. Therefore, it has been classified as a Variant of Uncertain Significance.

Fulgent Genetics
Classification: Uncertain significance for Fraser syndrome 1. Last evaluated: 2022-02-08. Review status: criteria provided, single submitter. Criteria: ACMG Guidelines, 2015. Collection method: clinical testing. Allele origin: unknown.

Illumina Laboratory Services, Illumina
Classification: Uncertain significance for Fraser syndrome 1. Last evaluated: 2018-01-12. Review status: criteria provided, single submitter. Criteria: ICSL Variant Classification Criteria 13 December 2019. Collection method: clinical testing. Allele origin: germline.